The following is an entry in ClinVar:

ClinVar aggregate classification (germline): Uncertain significance (1 of 4 stars; one submission).

Conditions:
Congenital sensory neuropathy with selective loss of small myelinated fibers (HSAN5). Also called: HSAN Type V. Identifiers: Orphanet 64752, MedGen C0020075, MONDO:0012092, OMIM 608654.

Submission:

Labcorp Genetics (formerly Invitae), Labcorp
Classification: Uncertain significance for Congenital sensory neuropathy with selective loss of small myelinated fibers. Last evaluated: 2025-05-07. Review status: criteria provided, single submitter. Criteria: Invitae Variant Classification Sherloc (09022015). Collection method: clinical testing. Allele origin: germline.
Comment: This sequence change replaces serine, which is neutral and polar, with isoleucine, which is neutral and non-polar, at codon 234 of the NGF protein (p.Ser234Ile). This variant is not present in population databases (gnomAD no frequency). This variant has not been reported in the literature in individuals affected with NGF-related conditions. An algorithm developed to predict the effect of missense changes on protein structure and function (PolyPhen-2) suggests that this variant is likely to be disruptive. In summary, the available evidence is currently insufficient to determine the role of this variant in disease. Therefore, it has been classified as a Variant of Uncertain Significance.

NM_002506.3(NGF):c.701G>T (p.Ser234Ile)

Genes: NGF (nerve growth factor; minus strand), NGF-AS1 (NGF antisense RNA 1; plus strand). Cytogenetic location: 1p13.2.
Variant type: single nucleotide variant.
Coding change: c.701G>T on transcript NM_002506.3 (MANE Select); coding-DNA position 701, G replaced by T.
Protein change: p.Ser234Ile; replaces serine 234 with isoleucine.
Molecular consequence: missense variant.
Genome position (GRCh38, 1-based): chr1:115,286,095, C>A on the plus strand (G>T on the coding strand, the complement: NGF is on the minus strand). VCF-style: chr1-115286095-C-A. GRCh37 (hg19) VCF-style: chr1-115828716-C-A.
Other names: c.701G>T, p.Ser234Ile (NM_001437545.1); short protein forms S234I.
Identifiers: ClinVar variation 4768588 (VCV004768588.1).
Genomic context (GRCh38, chr1:115,286,095, plus strand): 5'-GTAGAAGGGGCAGGGGGAGGGAGCGTGTCGGCAGGTCAGGCTCTTCTCACAGCCTTCCTG[C>A]TGAGCACACACACACAGGCCGTATCTATCCGGATAAACCGCCAGGCAGCCTGCTTGCCAT-3'
Protein context (NP_002497.2, residues 224-241): RIDTACVCVL[Ser234Ile]RKAVRRA